The following is an entry in ClinVar:

ClinVar aggregate classification (germline): Uncertain significance. Review status: criteria provided, multiple submitters, no conflicts (2 of 4 stars). 3 submissions from 3 submitters: Uncertain significance (2). 1 of the submissions does not count toward it. Last evaluated 2021-10-06.

Conditions:
Bloom syndrome (BLM). Also called: Bloom-Torre-Machacek syndrome. Identifiers: Orphanet 125, MedGen C0005859, MONDO:0008876, OMIM 210900.
Hereditary cancer-predisposing syndrome. Also called: Hereditary Cancer Syndrome; Tumor predisposition; Hereditary neoplastic syndrome; Neoplastic Syndromes, Hereditary. Identifiers: Orphanet 140162, MedGen C0027672, MeSH D009386, MONDO:0015356.

Allele frequency attached by ClinVar (database versions not stated): gnomAD exomes below 0.00001.

Submissions (3):

Ambry Genetics
Classification: Uncertain significance for Hereditary cancer-predisposing syndrome. Last evaluated: 2021-10-06. Review status: criteria provided, single submitter. Criteria: Ambry Variant Classification Scheme 2023. Collection method: clinical testing. Allele origin: germline.
Comment: The p.T1018A variant (also known as c.3052A>G), located in coding exon 15 of the BLM gene, results from an A to G substitution at nucleotide position 3052. The threonine at codon 1018 is replaced by alanine, an amino acid with similar properties. This amino acid position is conserved. In addition, the in silico prediction for this alteration is inconclusive. Since supporting evidence is limited at this time, the clinical significance of this alteration remains unclear.

Labcorp Genetics (formerly Invitae), Labcorp
Classification: Uncertain significance for Bloom syndrome. Last evaluated: 2021-08-26. Review status: criteria provided, single submitter. Criteria: Invitae Variant Classification Sherloc (09022015). Collection method: clinical testing. Allele origin: germline.
Comment: This sequence change replaces threonine with alanine at codon 1018 of the BLM protein (p.Thr1018Ala). The threonine residue is moderately conserved and there is a small physicochemical difference between threonine and alanine. This variant is not present in population databases (ExAC no frequency). This variant has not been reported in the literature in individuals affected with BLM-related conditions. Algorithms developed to predict the effect of missense changes on protein structure and function (SIFT, PolyPhen-2, Align-GVGD) all suggest that this variant is likely to be tolerated. In summary, the available evidence is currently insufficient to determine the role of this variant in disease. Therefore, it has been classified as a Variant of Uncertain Significance.

Natera, Inc.
Classification: Uncertain significance for Bloom syndrome. Last evaluated: 2021-05-01. Review status: no assertion criteria provided. Collection method: clinical testing. Allele origin: germline. Not counted in ClinVar's aggregate classification.

NM_000057.4(BLM):c.3052A>G (p.Thr1018Ala)

Gene: BLM (BLM RecQ like helicase; plus strand). Cytogenetic location: 15q26.1.
Variant type: single nucleotide variant.
Coding change: c.3052A>G on transcript NM_000057.4 (MANE Select); coding-DNA position 3052, A replaced by G.
Protein change: p.Thr1018Ala; replaces threonine 1018 with alanine.
Molecular consequence: missense variant.
Genome position (GRCh38, 1-based): chr15:90,794,199, A>G. VCF-style: chr15-90794199-A-G. GRCh37 (hg19) VCF-style: chr15-91337429-A-G.
Other names: c.3052A>G (NM_000057.2); c.3052A>G, p.Thr1018Ala (NM_001287246.2, NM_001287247.2); c.1927A>G, p.Thr643Ala (NM_001287248.2); short protein forms T1018A, T643A.
Identifiers: ClinVar variation 1043103 (VCV001043103.7), dbSNP rs1896972868, ClinGen allele CA393846721.